The following is an entry in ClinVar:

NM_001364905.1(LRBA):c.5769G>A (p.Gln1923=)

Gene: LRBA (LPS responsive beige-like anchor protein; minus strand). Cytogenetic location: 4q31.3.
Variant type: single nucleotide variant.
Coding change: c.5769G>A on transcript NM_001364905.1 (MANE Select); coding-DNA position 5769, G replaced by A.
Protein change: p.Gln1923=; no amino-acid change (glutamine 1923 retained).
Molecular consequence: synonymous variant.
Genome position (GRCh38, 1-based): chr4:150,683,703, C>T on the plus strand (G>A on the coding strand, the complement: LRBA is on the minus strand). VCF-style: chr4-150683703-C-T. GRCh37 (hg19) VCF-style: chr4-151604855-C-T.
Other names: c.5769G>A, p.Gln1923= (NM_001199282.3, NM_001367550.1, NM_001440430.1 and 2 more transcripts).
Identifiers: ClinVar variation 4808091 (VCV004808091.1).

ClinVar aggregate classification (germline): Uncertain significance (1 of 4 stars; one submission).

Conditions:
Combined immunodeficiency due to LRBA deficiency. Also called: Common variable immunodeficiency 8, with autoimmunity. Identifiers: Orphanet 445018, MedGen C3553512, MONDO:0013863, OMIM 614700.

Submission:

Labcorp Genetics (formerly Invitae), Labcorp
Classification: Uncertain significance for Combined immunodeficiency due to LRBA deficiency. Last evaluated: 2025-11-19. Review status: criteria provided, single submitter. Criteria: Invitae Variant Classification Sherloc (09022015). Collection method: clinical testing. Allele origin: germline.
Comment: This sequence change affects codon 1923 of the LRBA mRNA. It is a 'silent' change, meaning that it does not change the encoded amino acid sequence of the LRBA protein. This variant is not present in population databases (gnomAD no frequency). This variant has not been reported in the literature in individuals affected with LRBA-related conditions. Algorithms developed to predict the effect of sequence changes on RNA splicing suggest that this variant may create or strengthen a splice site. In summary, the available evidence is currently insufficient to determine the role of this variant in disease. Therefore, it has been classified as a Variant of Uncertain Significance.